The following is an entry in ClinVar:

ClinVar aggregate classification (germline): Pathogenic. Review status: criteria provided, multiple submitters, no conflicts (2 of 4 stars). 2 submissions from 2 submitters: Pathogenic (2). Last evaluated 2025-10-17.

Conditions:
Hereditary cancer-predisposing syndrome. Also called: Hereditary neoplastic syndrome; Tumor predisposition; Hereditary Cancer Syndrome; Neoplastic Syndromes, Hereditary. Identifiers: Orphanet 140162, MedGen C0027672, MeSH D009386, MONDO:0015356.

Allele frequency attached by ClinVar (database versions not stated): gnomAD exomes below 0.00001.
gnomAD v4.1: 1 of 1,614,196 alleles (0.000062%); highest among the groups gnomAD compares: Non-Finnish European, 0.000085%; no homozygotes.

Submissions (2):

Labcorp Genetics (formerly Invitae), Labcorp
Classification: Pathogenic. Last evaluated: 2025-10-17. Review status: criteria provided, single submitter. Criteria: Invitae Variant Classification Sherloc (09022015). Collection method: clinical testing. Allele origin: germline.
Comment: This sequence change creates a premature translational stop signal (p.Lys223*) in the MSH3 gene. It is expected to result in an absent or disrupted protein product. Loss-of-function variants in MSH3 are known to be pathogenic (PMID: 27476653, 37402566). This variant is not present in population databases (gnomAD no frequency). This variant has not been reported in the literature in individuals affected with MSH3-related conditions. ClinVar contains an entry for this variant (Variation ID: 1070247). For these reasons, this variant has been classified as Pathogenic.

Ambry Genetics
Classification: Pathogenic for Hereditary cancer-predisposing syndrome. Last evaluated: 2024-06-20. Review status: criteria provided, single submitter. Criteria: Ambry Variant Classification Scheme 2023. Collection method: clinical testing. Allele origin: germline.
Comment: The p.K223* pathogenic mutation (also known as c.667A>T), located in coding exon 4 of the MSH3 gene, results from an A to T substitution at nucleotide position 667. This changes the amino acid from a lysine to a stop codon within coding exon 4. This variant is considered to be rare based on population cohorts in the Genome Aggregation Database (gnomAD). This alteration is expected to result in loss of function by premature protein truncation or nonsense-mediated mRNA decay. As such, this alteration is interpreted as a disease-causing mutation.

Literature cited by the submitters: PubMed 27476653 (cited by Labcorp Genetics (formerly Invitae), Labcorp); PubMed 37402566 (cited by Labcorp Genetics (formerly Invitae), Labcorp).

NM_002439.5(MSH3):c.667A>T (p.Lys223Ter)

Gene: MSH3 (mutS homolog 3; plus strand). Cytogenetic location: 5q14.1.
Variant type: single nucleotide variant.
Coding change: c.667A>T on transcript NM_002439.5 (MANE Select); coding-DNA position 667, A replaced by T.
Protein change: p.Lys223Ter; replaces lysine 223 with a stop codon.
Molecular consequence: nonsense.
Genome position (GRCh38, 1-based): chr5:80,670,184, A>T. VCF-style: chr5-80670184-A-T. GRCh37 (hg19) VCF-style: chr5-79966003-A-T.
Other names: c.667A>T (NM_002439.3); short protein forms K223*.
Identifiers: ClinVar variation 1070247 (VCV001070247.8), dbSNP rs2112812231, ClinGen allele CA360266696.